The following is an entry in ClinVar:

ClinVar aggregate classification (germline): Uncertain significance (1 of 4 stars; one submission).

Conditions:
Neurofibromatosis, type 1 (NF1). Also called: VON RECKLINGHAUSEN DISEASE; Neurofibromatosis, type I; NEUROFIBROMATOSIS, TYPE I, SOMATIC; Peripheral type neurofibromatosis. Identifiers: Orphanet 636, MedGen C0027831, MONDO:0018975, OMIM 162200. Disease mechanism: loss of function.

Submission:

Labcorp Genetics (formerly Invitae), Labcorp
Classification: Uncertain significance for Neurofibromatosis, type 1. Last evaluated: 2025-03-27. Review status: criteria provided, single submitter. Criteria: Invitae Variant Classification Sherloc (09022015). Collection method: clinical testing. Allele origin: germline.
Comment: This sequence change replaces serine, which is neutral and polar, with glycine, which is neutral and non-polar, at codon 2747 of the NF1 protein (p.Ser2747Gly). This variant is not present in population databases (gnomAD no frequency). This variant has not been reported in the literature in individuals affected with NF1-related conditions. Invitae Evidence Modeling of protein sequence and biophysical properties (such as structural, functional, and spatial information, amino acid conservation, physicochemical variation, residue mobility, and thermodynamic stability) indicates that this missense variant is not expected to disrupt NF1 protein function with a negative predictive value of 95%. In summary, the available evidence is currently insufficient to determine the role of this variant in disease. Therefore, it has been classified as a Variant of Uncertain Significance.

NM_001042492.3(NF1):c.8302A>G (p.Ser2768Gly)

Gene: NF1 (neurofibromin 1; plus strand). Cytogenetic location: 17q11.2.
Variant type: single nucleotide variant.
Coding change: c.8302A>G on transcript NM_001042492.3 (MANE Select); coding-DNA position 8302, A replaced by G.
Protein change: p.Ser2768Gly; replaces serine 2768 with glycine.
Molecular consequence: missense variant.
Genome position (GRCh38, 1-based): chr17:31,360,628, A>G. VCF-style: chr17-31360628-A-G. GRCh37 (hg19) VCF-style: chr17-29687646-A-G.
Other names: c.8239A>G, p.Ser2747Gly (NM_000267.4); short protein forms S2747G, S2768G.
Identifiers: ClinVar variation 4800816 (VCV004800816.1).